The following is an entry in ClinVar:

NM_181882.3(PRX):c.2113C>T (p.His705Tyr)

Gene: PRX (periaxin; minus strand). Cytogenetic location: 19q13.2.
Variant type: single nucleotide variant.
Coding change: c.2113C>T on transcript NM_181882.3 (MANE Select); coding-DNA position 2113, C replaced by T.
Protein change: p.His705Tyr; replaces histidine 705 with tyrosine.
Molecular consequence: missense variant. On other transcripts: 3 prime UTR variant (1).
Genome position (GRCh38, 1-based): chr19:40,396,239, G>A on the plus strand (C>T on the coding strand, the complement: PRX is on the minus strand). VCF-style: chr19-40396239-G-A. GRCh37 (hg19) VCF-style: chr19-40902146-G-A.
Other names: c.*2318C>T (NM_020956.2); short protein forms H705Y.
Identifiers: ClinVar variation 944913 (VCV000944913.9), dbSNP rs2079434434, ClinGen allele CA405896979.
Genomic context (GRCh38, chr19:40,396,239, plus strand): 5'-GGAGCTTCATGTCAGGGACTTTCATTTCACAGACTTTGGGCAGCTGCACCTCTGGGAGGT[G>A]CACATCGGGCACGGCCATTTCAGGCACCTTGGGGAGTTTCATCTCTGAGACTTTTGGCAG-3'
Protein context (NP_870998.2, residues 695-715): KVPEMAVPDV[His705Tyr]LPEVQLPKVC

ClinVar aggregate classification (germline): Uncertain significance (1 of 4 stars; one submission).

Conditions:
Charcot-Marie-Tooth disease type 4. Also called: Charcot-Marie-Tooth disease, type IV; Charcot-Marie-Tooth, Type 4. Identifiers: Orphanet 64749, MedGen C4082197, MONDO:0018995.

Submission:

Labcorp Genetics (formerly Invitae), Labcorp
Classification: Uncertain significance for Charcot-Marie-Tooth disease type 4. Last evaluated: 2019-07-26. Review status: criteria provided, single submitter. Criteria: Invitae Variant Classification Sherloc (09022015). Collection method: clinical testing. Allele origin: germline.
Comment: In summary, the available evidence is currently insufficient to determine the role of this variant in disease. Therefore, it has been classified as a Variant of Uncertain Significance. Algorithms developed to predict the effect of missense changes on protein structure and function (SIFT, PolyPhen-2, Align-GVGD) all suggest that this variant is likely to be tolerated, but these predictions have not been confirmed by published functional studies and their clinical significance is uncertain. This variant has not been reported in the literature in individuals with PRX-related conditions. This variant is not present in population databases (ExAC no frequency). This sequence change replaces histidine with tyrosine at codon 705 of the PRX protein (p.His705Tyr). The histidine residue is weakly conserved and there is a moderate physicochemical difference between histidine and tyrosine.